The following is an entry in ClinVar:

ClinVar aggregate classification (germline): Uncertain significance (1 of 4 stars; one submission).

Conditions:
Hypertrophic cardiomyopathy. Also called: HYPERTROPHIC MYOCARDIOPATHY. Identifiers: Orphanet 217569, MedGen C0007194, MeSH D002312, MONDO:0005045, HP:0001639.

Submission:

Labcorp Genetics (formerly Invitae), Labcorp
Classification: Uncertain significance for Hypertrophic cardiomyopathy. Last evaluated: 2022-04-24. Review status: criteria provided, single submitter. Criteria: Invitae Variant Classification Sherloc (09022015). Collection method: clinical testing. Allele origin: germline.
Comment: Algorithms developed to predict the effect of sequence changes on RNA splicing suggest that this variant may disrupt the consensus splice site. This variant has not been reported in the literature in individuals affected with MYOM1-related conditions. This variant is not present in population databases (gnomAD no frequency). This sequence change affects an acceptor splice site in intron 3 of the MYOM1 gene. It is expected to disrupt RNA splicing. Variants that disrupt the donor or acceptor splice site typically lead to a loss of protein function (PMID: 16199547), however the current clinical and genetic evidence is not sufficient to establish whether loss-of-function variants in MYOM1 cause disease. In summary, the available evidence is currently insufficient to determine the role of this variant in disease. Therefore, it has been classified as a Variant of Uncertain Significance.

Literature cited by the submitters: PubMed 16199547.

NM_003803.4(MYOM1):c.432-2A>G

Gene: MYOM1 (myomesin 1; minus strand). Cytogenetic location: 18p11.31.
Variant type: single nucleotide variant.
Coding change: c.432-2A>G on transcript NM_003803.4 (MANE Select); the canonical splice acceptor site of the intron before coding-DNA position 432, A replaced by G.
Molecular consequence: splice acceptor variant.
Genome position (GRCh38, 1-based): chr18:3,189,089, T>C on the plus strand (A>G on the coding strand, the complement: MYOM1 is on the minus strand). VCF-style: chr18-3189089-T-C. GRCh37 (hg19) VCF-style: chr18-3189087-T-C.
Other names: c.432-2A>G (NM_019856.2).
Identifiers: ClinVar variation 2129905 (VCV002129905.4), dbSNP rs2510720267, ClinGen allele CA401717115.